The following is an entry in ClinVar:

ClinVar aggregate classification (germline): Uncertain significance (1 of 4 stars; one submission).

Submission:

Labcorp Genetics (formerly Invitae), Labcorp
Classification: Uncertain significance. Last evaluated: 2022-05-27. Review status: criteria provided, single submitter. Criteria: Invitae Variant Classification Sherloc (09022015). Collection method: clinical testing. Allele origin: germline.
Comment: This variant is not present in population databases (gnomAD no frequency). In summary, the available evidence is currently insufficient to determine the role of this variant in disease. Therefore, it has been classified as a Variant of Uncertain Significance. Algorithms developed to predict the effect of missense changes on protein structure and function are either unavailable or do not agree on the potential impact of this missense change (SIFT: "Deleterious"; PolyPhen-2: "Possibly Damaging"; Align-GVGD: "Class C15"). This variant has not been reported in the literature in individuals affected with ADGRA3-related conditions. This sequence change replaces arginine, which is basic and polar, with leucine, which is neutral and non-polar, at codon 1163 of the ADGRA3 protein (p.Arg1163Leu).

NM_145290.4(ADGRA3):c.3488G>T (p.Arg1163Leu)

Gene: ADGRA3 (adhesion G protein-coupled receptor A3; minus strand). Cytogenetic location: 4p15.2.
Variant type: single nucleotide variant.
Coding change: c.3488G>T on transcript NM_145290.4 (MANE Select); coding-DNA position 3488, G replaced by T.
Protein change: p.Arg1163Leu; replaces arginine 1163 with leucine.
Molecular consequence: missense variant.
Genome position (GRCh38, 1-based): chr4:22,388,183, C>A on the plus strand (G>T on the coding strand, the complement: ADGRA3 is on the minus strand). VCF-style: chr4-22388183-C-A. GRCh37 (hg19) VCF-style: chr4-22389806-C-A.
Other names: short protein forms R1163L.
Identifiers: ClinVar variation 2111834 (VCV002111834.4), dbSNP rs771076973, ClinGen allele CA356472327.